The following is an entry in ClinVar:

ClinVar aggregate classification (germline): Benign/Likely benign. Review status: criteria provided, multiple submitters, no conflicts (2 of 4 stars). 17 submissions from 17 submitters: Benign (7); Likely benign (8). 2 of the submissions do not count toward it. Last evaluated 2026-02-01.

Conditions:
Breast and/or ovarian cancer. Identifiers: MedGen CN221562.
Hereditary cancer-predisposing syndrome. Also called: Tumor predisposition; Hereditary neoplastic syndrome; Hereditary Cancer Syndrome; Neoplastic Syndromes, Hereditary. Identifiers: Orphanet 140162, MedGen C0027672, MeSH D009386, MONDO:0015356.
Breast-ovarian cancer, familial, susceptibility to, 4. Identifiers: Orphanet 145, MedGen C3280345, MONDO:0013669, OMIM 614291.
Malignant tumor of breast. Also called: Cancer breast; Malignant breast neoplasm. Identifiers: MedGen C0006142, MONDO:0007254. Disease mechanism: loss of function.

Allele frequency attached by ClinVar (database versions not stated): 1000 Genomes Project 0.00080; 1000 Genomes Project 30x 0.00094; ESP Exome Variant Server 0.00123; gnomAD 0.00159 and 0.00171; TOPMed 0.00189.

Submissions (17):

Labcorp Genetics (formerly Invitae), Labcorp
Classification: Benign for Breast-ovarian cancer, familial, susceptibility to, 4. Last evaluated: 2026-02-01. Review status: criteria provided, single submitter. Criteria: Invitae Variant Classification Sherloc (09022015). Collection method: clinical testing. Allele origin: germline.

Center for Genomic Medicine, Rigshospitalet, Copenhagen University Hospital
Classification: Likely benign. Last evaluated: 2025-12-29. Review status: criteria provided, single submitter. Criteria: ACMG Guidelines, 2015. Collection method: clinical testing. Allele origin: germline.

Myriad Genetics, Inc.
Classification: Benign for Breast-ovarian cancer, familial, susceptibility to, 4. Last evaluated: 2024-12-13. Review status: criteria provided, single submitter. Criteria: Myriad Autosomal Dominant, Autosomal Recessive and X-Linked Classification Criteria (2023). Collection method: clinical testing. Allele origin: unknown.
Comment: This variant is considered benign. This variant is intronic and is not expected to impact mRNA splicing. This variant is strongly associated with less severe personal and family histories of cancer, typical for individuals without pathogenic variants in this gene [PMID: 25085752].

Blueprint Genetics
Classification: Likely benign. Last evaluated: 2024-11-01. Review status: criteria provided, single submitter. Criteria: ACMG Guidelines, 2015. Collection method: clinical testing. Allele origin: germline.

CeGaT Center for Human Genetics Tuebingen
Classification: Likely benign. Last evaluated: 2024-07-01. Review status: criteria provided, single submitter. Criteria: CeGaT Center For Human Genetics Tuebingen Variant Classification Criteria Version 2. Collection method: clinical testing. Allele origin: germline. Affected: yes. Observed: 2 variant alleles.
Comment: RAD51D: BP4, BS1

ARUP Laboratories, Molecular Genetics and Genomics, ARUP Laboratories
Classification: Benign for Breast-ovarian cancer, familial, susceptibility to, 4. Last evaluated: 2023-11-29. Review status: criteria provided, single submitter. Criteria: ARUP Molecular Germline Variant Investigation Process 2024. Collection method: clinical testing. Allele origin: germline.

Quest Diagnostics Nichols Institute San Juan Capistrano
Classification: Benign. Last evaluated: 2022-09-30. Review status: criteria provided, single submitter. Criteria: Quest Diagnostics criteria. Collection method: clinical testing. Allele origin: unknown.

CHEO Genetics Diagnostic Laboratory, Children's Hospital of Eastern Ontario
Classification: Likely benign for Breast and/or ovarian cancer. Last evaluated: 2022-05-18. Review status: criteria provided, single submitter. Criteria: ACMG Guidelines, 2015. Collection method: clinical testing. Allele origin: germline.

Sema4
Classification: Benign for Hereditary cancer-predisposing syndrome. Last evaluated: 2020-10-23. Review status: criteria provided, single submitter. Criteria: Sema4 Curation Guidelines. Collection method: curation. Allele origin: germline.

Genetic Services Laboratory, University of Chicago
Classification: Likely benign. Last evaluated: 2019-04-25. Review status: criteria provided, single submitter. Criteria: ACMG Guidelines, 2015. Collection method: clinical testing. Allele origin: germline. Affected: no.

Women's Health and Genetics/Laboratory Corporation of America, LabCorp
Classification: Benign. Last evaluated: 2016-02-15. Review status: criteria provided, single submitter. Criteria: LabCorp Variant Classification Summary - May 2015. Collection method: clinical testing. Allele origin: germline.

Color Diagnostics, LLC DBA Color Health
Classification: Likely benign for Hereditary cancer-predisposing syndrome. Last evaluated: 2015-09-21. Review status: criteria provided, single submitter. Criteria: ACMG Guidelines, 2015. Collection method: clinical testing. Allele origin: germline.

Ambry Genetics
Classification: Likely benign for Hereditary cancer-predisposing syndrome. Last evaluated: 2015-06-19. Review status: criteria provided, single submitter. Criteria: Ambry Variant Classification Scheme 2023. Collection method: clinical testing. Allele origin: germline.

Eurofins Ntd Llc (ga)
Classification: Likely benign. Last evaluated: 2015-01-07. Review status: criteria provided, single submitter. Criteria: EGL Classification Definitions 2015. Collection method: clinical testing. Allele origin: germline. Observed: 2 variant alleles, 2 heterozygotes.

GeneDx
Classification: Benign. Last evaluated: 2014-04-01. Review status: criteria provided, single submitter. Criteria: GeneDx Variant Classification (06012015). Collection method: clinical testing. Allele origin: germline. Affected: yes.
Comment: This variant is considered likely benign or benign based on one or more of the following criteria: it is a conservative change, it occurs at a poorly conserved position in the protein, it is predicted to be benign by multiple in silico algorithms, and/or has population frequency not consistent with disease.

Counsyl
Classification: Likely benign for Breast-ovarian cancer, familial, susceptibility to, 4. Last evaluated: 2016-07-29. Review status: no assertion criteria provided. Collection method: clinical testing. Allele origin: unknown. Not counted in ClinVar's aggregate classification.

Department of Pathology and Laboratory Medicine, Sinai Health System
Classification: Likely benign for Malignant tumor of breast. Review status: no assertion criteria provided. Collection method: clinical testing. Allele origin: unknown. Affected: yes. Study: The Canadian Open Genetics Repository (COGR). Not counted in ClinVar's aggregate classification.
Comment: The RAD51D c.481-7G>A variant was identified in 2 of 6082 proband chromosomes (frequency: 0.0003) from individuals or families with breast cancer or Lynch syndrome (Tung 2015, Yurgelun 2015). The variant was also identified in dbSNP (ID: rs145832514 as "With other allele") and ClinVar (3x as benign by GeneDx, Invitae, and Integrated Genetics/Laboratory Corporation of America and 4x as likely benign by Counsyl, Color Genomics, EGL Genetic Diagnostics, and Quest Diagnostics Nichols Institute). The variant was not identified in Cosmic. The variant was identified in control databases in 134 of 268084 chromosomes at a frequency of 0.0005, increasing the likelihood this could be a low frequency benign variant (Genome Aggregation Database Feb 27, 2017). The variant was observed in the following populations: African in 124 of 22892 chromosomes (freq: 0.005), Other in 1 of 6294 chromosomes (freq: 0.0002), Latino in 6 of 33736 chromosomes (freq: 0.0002), European in 1 of 121706 chromosomes (freq: 0.000008), East Asian in 1 of 18750 chromosomes (freq: 0.00005), and South Asian in 1 of 29640 chromosomes (freq: 0.00003), while the variant was not observed in the Ashkenazi Jewish or Finnish populations. The c.481-7G>A variant is located in the 3' splice region but does not affect the invariant -1 and -2 positions. However, positions -3 and -5 to -12 are part of the splicing consensus sequence and variants involving these positions sometimes affect splicing. However, 5 of 5 in silico or computational prediction software programs (SpliceSiteFinder, MaxEntScan, NNSPLICE, GeneSplicer, HumanSpliceFinder) do not predict a difference in splicing; however, this information is not predictive enough to rule out pathogenicity. In summary, based on the above information the clinical significance of this variant cannot be determined with certainty at this time although we would lean towards a more benign role for this variant. This variant is classified as likely benign.

Literature cited by the submitters: PubMed 25085752 (cited by Myriad Genetics, Inc.); PubMed 25186627 (cited by Quest Diagnostics Nichols Institute San Juan Capistrano and Counsyl); PubMed 25980754 (cited by 3 submitters).

NM_002878.4(RAD51D):c.481-7G>A

Genes: RAD51D (RAD51 paralog D; minus strand), RAD51L3-RFFL (RAD51L3-RFFL readthrough; minus strand). Cytogenetic location: 17q12.
Variant type: single nucleotide variant.
Coding change: c.481-7G>A on transcript NM_002878.4 (MANE Select); 7 bases into the intron before coding-DNA position 481, G replaced by A.
Molecular consequence: intron variant.
Genome position (GRCh38, 1-based): chr17:35,106,488, C>T on the plus strand (G>A on the coding strand, the complement: RAD51D is on the minus strand). VCF-style: chr17-35106488-C-T. GRCh37 (hg19) VCF-style: chr17-33433507-C-T.
Other names: c.145-7G>A (NM_133629.3); c.541-7G>A (NM_001142571.2).
Identifiers: ClinVar variation 138871 (VCV000138871.60), dbSNP rs145832514, ClinGen allele CA203279.